The following is an entry in ClinVar:

NM_004006.3(DMD):c.5468C>T (p.Thr1823Ile)

Gene: DMD (dystrophin; minus strand). Cytogenetic location: Xp21.1.
Variant type: single nucleotide variant.
Coding change: c.5468C>T on transcript NM_004006.3 (MANE Select); coding-DNA position 5468, C replaced by T.
Protein change: p.Thr1823Ile; replaces threonine 1823 with isoleucine.
Molecular consequence: missense variant.
Genome position (GRCh38, 1-based): chrX:32,346,061, G>A on the plus strand (C>T on the coding strand, the complement: DMD is on the minus strand). VCF-style: chrX-32346061-G-A. GRCh37 (hg19) VCF-style: chrX-32364178-G-A.
Other names: c.5444C>T, p.Thr1815Ile (NM_000109.4); c.5456C>T, p.Thr1819Ile (NM_004009.3); c.5099C>T, p.Thr1700Ile (NM_004010.3); c.1445C>T, p.Thr482Ile (NM_004011.4); c.1436C>T, p.Thr479Ile (NM_004012.4); short protein forms T479I, T1823I, T1815I, T1700I, T1819I, T482I.
Identifiers: ClinVar variation 1377031 (VCV001377031.6), dbSNP rs1465595838, ClinGen allele CA412667469.

ClinVar aggregate classification (germline): Uncertain significance (1 of 4 stars; one submission).

Conditions:
Duchenne muscular dystrophy (DMD). Also called: MUSCULAR DYSTROPHY, PSEUDOHYPERTROPHIC PROGRESSIVE, DUCHENNE TYPE; Duchenne Muscular Dystrophy (DMD). Identifiers: Orphanet 98896, MedGen C0013264, MONDO:0010679, OMIM 310200.

Allele frequency attached by ClinVar (database versions not stated): gnomAD exomes below 0.00001.
gnomAD v4.1: 1 of 1,209,269 alleles (0.000083%); highest among the groups gnomAD compares: South Asian, 0.0018%; no homozygotes.

Submission:

Labcorp Genetics (formerly Invitae), Labcorp
Classification: Uncertain significance for Duchenne muscular dystrophy. Last evaluated: 2023-10-24. Review status: criteria provided, single submitter. Criteria: Invitae Variant Classification Sherloc (09022015). Collection method: clinical testing. Allele origin: germline.
Comment: This sequence change replaces threonine, which is neutral and polar, with isoleucine, which is neutral and non-polar, at codon 1823 of the DMD protein (p.Thr1823Ile). This variant is not present in population databases (gnomAD no frequency). This variant has not been reported in the literature in individuals affected with DMD-related conditions. ClinVar contains an entry for this variant (Variation ID: 1377031). Advanced modeling of protein sequence and biophysical properties (such as structural, functional, and spatial information, amino acid conservation, physicochemical variation, residue mobility, and thermodynamic stability) performed at Invitae indicates that this missense variant is not expected to disrupt DMD protein function with a negative predictive value of 95%. In summary, the available evidence is currently insufficient to determine the role of this variant in disease. Therefore, it has been classified as a Variant of Uncertain Significance.